The following is an entry in ClinVar:

ClinVar aggregate classification (germline): Likely benign. Review status: criteria provided, single submitter (1 of 4 stars). 2 submissions from 2 submitters: Likely benign (1). 1 of the submissions does not count toward it. Last evaluated 2023-09-22.

Conditions:
PHIP-related disorder. Also called: PHIP-related condition; PHIP-related disorders.

Allele frequency attached by ClinVar (database versions not stated): ExAC 0.00002; 1000 Genomes Project 30x 0.00016.
gnomAD v4.1: 4 of 1,543,730 alleles (0.00026%); highest among the groups gnomAD compares: East Asian, 0.011%; no homozygotes.

Submissions (2):

Labcorp Genetics (formerly Invitae), Labcorp
Classification: Likely benign. Last evaluated: 2023-09-22. Review status: criteria provided, single submitter. Criteria: Invitae Variant Classification Sherloc (09022015). Collection method: clinical testing. Allele origin: germline.

PreventionGenetics, part of Exact Sciences
Classification: Likely benign for PHIP-related condition. Last evaluated: 2022-05-12. Review status: no assertion criteria provided. Collection method: clinical testing. Allele origin: germline. Not counted in ClinVar's aggregate classification.
Comment: This variant is classified as likely benign based on ACMG/AMP sequence variant interpretation guidelines (Richards et al. 2015 PMID: 25741868, with internal and published modifications).

NM_017934.7(PHIP):c.130-5C>T

Gene: PHIP (PHIP subunit of CUL4-Ring ligase complex; minus strand). Cytogenetic location: 6q14.1.
Variant type: single nucleotide variant.
Coding change: c.130-5C>T on transcript NM_017934.7 (MANE Select); 5 bases into the intron before coding-DNA position 130, C replaced by T.
Molecular consequence: intron variant.
Genome position (GRCh38, 1-based): chr6:79,077,512, G>A on the plus strand (C>T on the coding strand, the complement: PHIP is on the minus strand). VCF-style: chr6-79077512-G-A. GRCh37 (hg19) VCF-style: chr6-79787229-G-A.
Other names: c.130-5C>T (NM_017934.6).
Identifiers: ClinVar variation 2778561 (VCV002778561.5), dbSNP rs751065215, ClinGen allele CA3900437.